The following is an entry in ClinVar:

ClinVar aggregate classification (germline): Uncertain significance (1 of 4 stars; one submission).

Allele frequency attached by ClinVar (database versions not stated): gnomAD exomes below 0.00001 and 0.00001; TOPMed 0.00001.
gnomAD v4.1: 3 of 1,567,958 alleles (0.00019%); highest among the groups gnomAD compares: South Asian, 0.0022%; no homozygotes.

Submission:

GeneDx
Classification: Uncertain significance. Last evaluated: 2019-10-24. Review status: criteria provided, single submitter. Criteria: GeneDx Variant Classification Process June 2021. Collection method: clinical testing. Allele origin: germline. Affected: yes.
Comment: Not observed at a significant frequency in large population cohorts (Lek et al., 2016); In silico analysis, which includes protein predictors and evolutionary conservation, supports a deleterious effect; Has not been previously published as pathogenic or benign to our knowledge

NM_001330311.2(DVL1):c.152C>T (p.Ser51Phe)

Gene: DVL1 (dishevelled segment polarity protein 1; minus strand). Cytogenetic location: 1p36.33.
Variant type: single nucleotide variant.
Coding change: c.152C>T on transcript NM_001330311.2 (MANE Select); coding-DNA position 152, C replaced by T.
Protein change: p.Ser51Phe; replaces serine 51 with phenylalanine.
Molecular consequence: missense variant.
Genome position (GRCh38, 1-based): chr1:1,348,914, G>A on the plus strand (C>T on the coding strand, the complement: DVL1 is on the minus strand). VCF-style: chr1-1348914-G-A. GRCh37 (hg19) VCF-style: chr1-1284294-G-A.
Other names: c.152C>T, p.Ser51Phe (NM_004421.3); short protein forms S51F.
Identifiers: ClinVar variation 1303381 (VCV001303381.2), dbSNP rs1359542325, ClinGen allele CA337879062.